The following is an entry in ClinVar:

ClinVar aggregate classification (germline): Uncertain significance (1 of 4 stars; one submission).

Conditions:
Myofibrillar myopathy 6. Identifiers: Orphanet 199340, MedGen C2751831, MONDO:0013061, OMIM 612954.
Dilated cardiomyopathy 1HH (CMD1HH). Identifiers: Orphanet 154, MedGen C3151293, MONDO:0013479, OMIM 613881.

Submission:

Labcorp Genetics (formerly Invitae), Labcorp
Classification: Uncertain significance for Dilated cardiomyopathy 1HH; Myofibrillar myopathy 6. Last evaluated: 2022-07-12. Review status: criteria provided, single submitter. Criteria: Invitae Variant Classification Sherloc (09022015). Collection method: clinical testing. Allele origin: germline.
Comment: This variant has not been reported in the literature in individuals affected with BAG3-related conditions. In summary, the available evidence is currently insufficient to determine the role of this variant in disease. Therefore, it has been classified as a Variant of Uncertain Significance. This variant results in a copy number gain of the genomic region encompassing exon(s) 1-2 of the BAG3 gene. This region includes the initiator codon of the gene. This copy number gain extends beyond the assayed region for this gene and therefore may encompass additional genes. As the precise location of this event is unknown, it may be in tandem or it may be located elsewhere in the genome.

NC_000010.10:g.(?_121411168)_(121429709_?)dup

Gene: BAG3 (BAG cochaperone 3; plus strand). Cytogenetic location: 10q26.11.
Variant type: Duplication.
Identifiers: ClinVar variation 1007536 (VCV001007536.8).